The following is an entry in ClinVar:

NM_000297.4(PKD2):c.1502A>G (p.His501Arg)

Gene: PKD2 (polycystin 2, transient receptor potential cation channel; plus strand). Cytogenetic location: 4q22.1.
Variant type: single nucleotide variant.
Coding change: c.1502A>G on transcript NM_000297.4 (MANE Select); coding-DNA position 1502, A replaced by G.
Protein change: p.His501Arg; replaces histidine 501 with arginine.
Molecular consequence: missense variant. On other transcripts: non-coding transcript variant (1).
Genome position (GRCh38, 1-based): chr4:88,046,824, A>G. VCF-style: chr4-88046824-A-G. GRCh37 (hg19) VCF-style: chr4-88967976-A-G.
Other names: short protein forms H501R.
Identifiers: ClinVar variation 2915809 (VCV002915809.3), dbSNP rs912607560, ClinGen allele CA100867826.

ClinVar aggregate classification (germline): Uncertain significance (1 of 4 stars; one submission).

Conditions:
Autosomal dominant polycystic kidney disease. Identifiers: Orphanet 730, MedGen C0085413, MONDO:0004691.

Allele frequency attached by ClinVar (database versions not stated): gnomAD exomes below 0.00001; TOPMed 0.00001.
gnomAD v4.1: 5 of 1,611,984 alleles (0.00031%); highest among the groups gnomAD compares: Admixed American, 0.0017%; no homozygotes.

Submission:

Labcorp Genetics (formerly Invitae), Labcorp
Classification: Uncertain significance for Autosomal dominant polycystic kidney disease. Last evaluated: 2025-04-07. Review status: criteria provided, single submitter. Criteria: Invitae Variant Classification Sherloc (09022015). Collection method: clinical testing. Allele origin: germline.
Comment: This sequence change replaces histidine, which is basic and polar, with arginine, which is basic and polar, at codon 501 of the PKD2 protein (p.His501Arg). This variant is present in population databases (no rsID available, gnomAD 0.003%). This variant has not been reported in the literature in individuals affected with PKD2-related conditions. ClinVar contains an entry for this variant (Variation ID: 2915809). Invitae Evidence Modeling of protein sequence and biophysical properties (such as structural, functional, and spatial information, amino acid conservation, physicochemical variation, residue mobility, and thermodynamic stability) indicates that this missense variant is not expected to disrupt PKD2 protein function with a negative predictive value of 80%. In summary, the available evidence is currently insufficient to determine the role of this variant in disease. Therefore, it has been classified as a Variant of Uncertain Significance.